The following is an entry in ClinVar:

ClinVar aggregate classification (germline): Uncertain significance (1 of 4 stars; one submission).

Conditions:
Gnathodiaphyseal dysplasia (GDD). Also called: GNATHODIAPHYSEAL SCLEROSIS; OSTEOGENESIS IMPERFECTA WITH UNUSUAL SKELETAL LESIONS. Identifiers: Orphanet 53697, MedGen C1833736, MONDO:0008151, OMIM 166260.
Autosomal recessive limb-girdle muscular dystrophy type 2L (LGMDR12). Also called: Limb-Girdle Muscular Dystrophy R12 Anoctamin-5-Related (LGMD-R12); Limb-girdle muscular dystrophy, type 2L; MUSCULAR DYSTROPHY, LIMB-GIRDLE, AUTOSOMAL RECESSIVE 12. Identifiers: Orphanet 206549, MedGen C1969785, MONDO:0012652, OMIM 611307.

Allele frequency attached by ClinVar (database versions not stated): gnomAD 0.00001.
gnomAD v4.1: 1 of 1,613,514 alleles (0.000062%); highest among the groups gnomAD compares: African/African-American, 0.0013%; no homozygotes.

Submission:

Labcorp Genetics (formerly Invitae), Labcorp
Classification: Uncertain significance for Autosomal recessive limb-girdle muscular dystrophy type 2L; Gnathodiaphyseal dysplasia. Last evaluated: 2024-02-07. Review status: criteria provided, single submitter. Criteria: Invitae Variant Classification Sherloc (09022015). Collection method: clinical testing. Allele origin: germline.
Comment: This sequence change replaces serine, which is neutral and polar, with isoleucine, which is neutral and non-polar, at codon 598 of the ANO5 protein (p.Ser598Ile). This variant is present in population databases (no rsID available, gnomAD 0.01%). This variant has not been reported in the literature in individuals affected with ANO5-related conditions. ClinVar contains an entry for this variant (Variation ID: 2147920). Advanced modeling of protein sequence and biophysical properties (such as structural, functional, and spatial information, amino acid conservation, physicochemical variation, residue mobility, and thermodynamic stability) has been performed at Invitae for this missense variant, however the output from this modeling did not meet the statistical confidence thresholds required to predict the impact of this variant on ANO5 protein function. In summary, the available evidence is currently insufficient to determine the role of this variant in disease. Therefore, it has been classified as a Variant of Uncertain Significance.

NM_213599.3(ANO5):c.1793G>T (p.Ser598Ile)

Gene: ANO5 (anoctamin 5; plus strand). Cytogenetic location: 11p14.3.
Variant type: single nucleotide variant.
Coding change: c.1793G>T on transcript NM_213599.3 (MANE Select); coding-DNA position 1793, G replaced by T.
Protein change: p.Ser598Ile; replaces serine 598 with isoleucine.
Molecular consequence: missense variant.
Genome position (GRCh38, 1-based): chr11:22,262,291, G>T. VCF-style: chr11-22262291-G-T. GRCh37 (hg19) VCF-style: chr11-22283837-G-T.
Other names: c.1790G>T, p.Ser597Ile (NM_001142649.2); c.1751G>T, p.Ser584Ile (NM_001410963.1); c.1748G>T, p.Ser583Ile (NM_001410964.1); short protein forms S583I, S597I, S598I, S584I.
Identifiers: ClinVar variation 2147920 (VCV002147920.4), dbSNP rs1362469684, ClinGen allele CA379922838.